The following is an entry in ClinVar:

ClinVar aggregate classification (germline): Uncertain significance. Review status: criteria provided, multiple submitters, no conflicts (2 of 4 stars). 3 submissions from 3 submitters: Uncertain significance (2). 1 of the submissions does not count toward it. Last evaluated 2024-11-12.

Conditions:
Inborn genetic diseases. Identifiers: MedGen C0950123, MeSH D030342.
Leber congenital amaurosis (LCA). Also called: Leber's amaurosis. Identifiers: Orphanet 65, MedGen C0339527, MeSH D057130, MONDO:0018998.

Allele frequency attached by ClinVar (database versions not stated): gnomAD exomes below 0.00001 and 0.00001; ExAC 0.00001; TOPMed 0.00002; gnomAD 0.00003 and 0.00004.
gnomAD v4.1: 11 of 1,613,930 alleles (0.00068%); highest among the groups gnomAD compares: Non-Finnish European, 0.00059%; no homozygotes.

Submissions (3):

Ambry Genetics
Classification: Uncertain significance for Inborn genetic diseases. Last evaluated: 2024-11-12. Review status: criteria provided, single submitter. Criteria: Ambry Variant Classification Scheme 2023. Collection method: clinical testing. Allele origin: germline.

Labcorp Genetics (formerly Invitae), Labcorp
Classification: Uncertain significance. Last evaluated: 2022-06-27. Review status: criteria provided, single submitter. Criteria: Invitae Variant Classification Sherloc (09022015). Collection method: clinical testing. Allele origin: germline.
Comment: This sequence change replaces serine, which is neutral and polar, with asparagine, which is neutral and polar, at codon 621 of the LCA5 protein (p.Ser621Asn). This variant is present in population databases (rs756929736, gnomAD 0.008%). This variant has not been reported in the literature in individuals affected with LCA5-related conditions. ClinVar contains an entry for this variant (Variation ID: 853774). Algorithms developed to predict the effect of missense changes on protein structure and function output the following: SIFT: "Tolerated"; PolyPhen-2: "Benign"; Align-GVGD: "Class C0". The asparagine amino acid residue is found in multiple mammalian species, which suggests that this missense change does not adversely affect protein function. In summary, the available evidence is currently insufficient to determine the role of this variant in disease. Therefore, it has been classified as a Variant of Uncertain Significance.

Natera, Inc.
Classification: Uncertain significance for Leber congenital amaurosis. Last evaluated: 2020-09-16. Review status: no assertion criteria provided. Collection method: clinical testing. Allele origin: germline. Not counted in ClinVar's aggregate classification.

NM_001122769.3(LCA5):c.1862G>A (p.Ser621Asn)

Gene: LCA5 (lebercilin LCA5; minus strand). Cytogenetic location: 6q14.1.
Variant type: single nucleotide variant.
Coding change: c.1862G>A on transcript NM_001122769.3 (MANE Select); coding-DNA position 1862, G replaced by A.
Protein change: p.Ser621Asn; replaces serine 621 with asparagine.
Molecular consequence: missense variant.
Genome position (GRCh38, 1-based): chr6:79,487,236, C>T on the plus strand (G>A on the coding strand, the complement: LCA5 is on the minus strand). VCF-style: chr6-79487236-C-T. GRCh37 (hg19) VCF-style: chr6-80196953-C-T.
Other names: c.1862G>A, p.Ser621Asn (NM_181714.4); short protein forms S621N.
Identifiers: ClinVar variation 853774 (VCV000853774.9), dbSNP rs756929736, ClinGen allele CA3900758.